The following is an entry in ClinVar:

NM_002292.4(LAMB2):c.1168C>T (p.Arg390Trp)

Gene: LAMB2 (laminin subunit beta 2; minus strand). Cytogenetic location: 3p21.31.
Variant type: single nucleotide variant.
Coding change: c.1168C>T on transcript NM_002292.4 (MANE Select); coding-DNA position 1168, C replaced by T.
Protein change: p.Arg390Trp; replaces arginine 390 with tryptophan.
Molecular consequence: missense variant.
Genome position (GRCh38, 1-based): chr3:49,130,288, G>A on the plus strand (C>T on the coding strand, the complement: LAMB2 is on the minus strand). VCF-style: chr3-49130288-G-A. GRCh37 (hg19) VCF-style: chr3-49167721-G-A.
Other names: c.1168C>T (NM_002292.3); short protein forms R390W.
Identifiers: ClinVar variation 2156325 (VCV002156325.3), dbSNP rs749837474, ClinGen allele CA2394679.

ClinVar aggregate classification (germline): Uncertain significance. Review status: criteria provided, multiple submitters, no conflicts (2 of 4 stars). 3 submissions from 3 submitters: Uncertain significance (3). Last evaluated 2025-08-07.

Conditions:
Inborn genetic diseases. Identifiers: MedGen C0950123, MeSH D030342.
Pierson syndrome. Also called: MICROCORIA-CONGENITAL NEPHROTIC SYNDROME. Identifiers: Orphanet 2670, MedGen C1836876, MONDO:0012184, OMIM 609049.
LAMB2-related infantile-onset nephrotic syndrome. Also called: NEPHROTIC SYNDROME, TYPE 5, WITHOUT OCULAR ABNORMALITIES; NEPHROTIC SYNDROME, TYPE 5, WITH OCULAR ABNORMALITIES; Nephrotic Syndrome, type 5. Identifiers: Orphanet 306507, MedGen C3280113, MONDO:0013621, OMIM 614199.

Allele frequency attached by ClinVar (database versions not stated): gnomAD 0.00003; gnomAD exomes 0.00003; TOPMed 0.00003; ExAC 0.00004.
gnomAD v4.1: 48 of 1,614,094 alleles (0.003%); highest among the groups gnomAD compares: South Asian, 0.0022%; no homozygotes.

Submissions (3):

Ambry Genetics
Classification: Uncertain significance for Inborn genetic diseases. Last evaluated: 2025-08-07. Review status: criteria provided, single submitter. Criteria: Ambry Variant Classification Scheme 2023. Collection method: clinical testing. Allele origin: germline.

Fulgent Genetics
Classification: Uncertain significance for Pierson syndrome; LAMB2-related infantile-onset nephrotic syndrome. Last evaluated: 2024-03-07. Review status: criteria provided, single submitter. Criteria: ACMG Guidelines, 2015. Collection method: clinical testing. Allele origin: germline.

Labcorp Genetics (formerly Invitae), Labcorp
Classification: Uncertain significance for LAMB2-related infantile-onset nephrotic syndrome; Pierson syndrome. Last evaluated: 2021-08-31. Review status: criteria provided, single submitter. Criteria: Invitae Variant Classification Sherloc (09022015). Collection method: clinical testing. Allele origin: germline.
Comment: This sequence change replaces arginine with tryptophan at codon 390 of the LAMB2 protein (p.Arg390Trp). The arginine residue is highly conserved and there is a moderate physicochemical difference between arginine and tryptophan. This variant is present in population databases (rs749837474, ExAC 0.03%). This variant has not been reported in the literature in individuals affected with LAMB2-related conditions. Algorithms developed to predict the effect of missense changes on protein structure and function (SIFT, PolyPhen-2, Align-GVGD) all suggest that this variant is likely to be disruptive. In summary, the available evidence is currently insufficient to determine the role of this variant in disease. Therefore, it has been classified as a Variant of Uncertain Significance.